The following continues an entry in ClinVar:

NM_000059.4(BRCA2):c.6275_6276del (p.Leu2092fs)

Gene: BRCA2. ClinVar aggregate classification (germline): Pathogenic. Pathogenic (1).

Submissions 12 to 24 of 60:

Cambridge Genomics Laboratory, East Genomic Laboratory Hub, NHS Genomic Medicine Service
Classification: Pathogenic for Inherited ovarian cancer (without breast cancer). Last evaluated: 2025-07-24. Review status: criteria provided, single submitter. Criteria: ACGS Best Practice Guidelines for Variant Classification in Rare Disease 2020. Collection method: clinical testing. Allele origin: germline. Affected: yes. Not counted in ClinVar's aggregate classification.
Comment: PVS1,PS4_Very Strong,PM5_Strong

Molecular Pathology, Peter Maccallum Cancer Centre
Classification: Pathogenic for Breast-ovarian cancer, familial, susceptibility to, 2. Last evaluated: 2025-05-26. Review status: criteria provided, single submitter. Criteria: ACMG Guidelines, 2015. Collection method: clinical testing. Allele origin: germline. Inheritance: Autosomal dominant inheritance. Not counted in ClinVar's aggregate classification.

ARUP Laboratories, Molecular Genetics and Genomics, ARUP Laboratories
Classification: Pathogenic. Last evaluated: 2025-04-25. Review status: criteria provided, single submitter. Criteria: ARUP Molecular Germline Variant Investigation Process 2024. Collection method: clinical testing. Allele origin: germline. Not counted in ClinVar's aggregate classification.
Comment: The BRCA2 c.6275_6276del; p.Leu2092ProfsTer7 variant (rs11571658, ClinVar Variation ID: 9318), also known as 6503delTT in traditional nomenclature, is reported in multiple individuals with a personal and/or family history of breast, ovarian, or prostate cancer (Bayraktar 2012, de Juan 2015, Edwards 2010, Tea 2014, Wang 2018, Walsh 2011, Wooster 1995, Zhang 2011). This variant is found in the general population with a low overall allele frequency of 0.004% (10/274924 alleles) in the Genome Aggregation Database (v2.1.1). This variant causes a frameshift by deleting two nucleotides, so it is predicted to result in a truncated protein or mRNA subject to nonsense-mediated decay. Based on available information, this variant is considered to be pathogenic. References: Bayraktar S et al. Predictive factors for BRCA1/BRCA2 mutations in women with ductal carcinoma in situ. Cancer. 2012 Mar 15;118(6):1515-22. PMID: 22009639. de Juan I et al. BRCA1 and BRCA2 mutations in males with familial breast and ovarian cancer syndrome. Results of a Spanish multicenter study. Fam Cancer. 2015 Dec;14(4):505-13. PMID: 26026974. Edwards SM et al. Prostate cancer in BRCA2 germline mutation carriers is associated with poorer prognosis. Br J Cancer. 2010 Sep 7;103(6):918-24. PMID: 20736950. Tea MK et al. Central European BRCA2 mutation carriers: birth cohort status correlates with onset of breast cancer. Maturitas. 2014 Jan;77(1):68-72. PMID: 24156927. Wang YA et al. Germline breast cancer susceptibility gene mutations and breast cancer outcomes. BMC Cancer. 2018 Mar 22;18(1):315. PMID: 29566657. Walsh T et al. Mutations in 12 genes for inherited ovarian, fallopian tube, and peritoneal carcinoma identified by massively parallel sequencing. Proc Natl Acad Sci U S A. 2011 Nov 1;108(44):18032-7. PMID: 22006311. Wooster R et al. Identification of the breast cancer susceptibility gene BRCA2. Nature. 1995 Dec 21-28;378(6559):789-92. PMID: 8524414. Zhang S et al. Frequencies of BRCA1 and BRCA2 mutations among 1,342 unselected patients with invasive ovarian cancer. Gynecol Oncol. 2011 May 1;121(2):353-7. PMID: 21324516.

Color Diagnostics, LLC DBA Color Health
Classification: Pathogenic for Hereditary cancer-predisposing syndrome. Last evaluated: 2025-03-24. Review status: criteria provided, single submitter. Criteria: ACMG Guidelines, 2015. Collection method: clinical testing. Allele origin: germline. Not counted in ClinVar's aggregate classification.
Comment: This variant deletes 2 nucleotides in exon 11 of the BRCA2 gene, creating a frameshift and premature translation stop signal. This variant is expected to result in an absent or non-functional protein product. This variant has been observed in dozens of individuals affected with breast and/or ovarian cancer and is a common disease-causing mutation in the European population (PMID: 21324516, 23199084, 23479189, 24156927, 26026974, 29566657). This variant also has been detected in a breast cancer case-control meta-analysis in 30/60463 cases and 5/53461 unaffected individuals with odds ratio of 5.307 (95% CI 2.059 to 13.679) (PMID: 33471991; Leiden Open Variation Database DB-ID BRCA2_000156). This variant has been identified in 10/274924 chromosomes in the general population by the Genome Aggregation Database (gnomAD). Loss of BRCA2 function is a known mechanism of disease. Based on the available evidence, this variant is classified as Pathogenic.

Center for Genomic Medicine, Rigshospitalet, Copenhagen University Hospital
Classification: Pathogenic. Last evaluated: 2025-03-04. Review status: criteria provided, single submitter. Criteria: ACMG Guidelines, 2015. Collection method: clinical testing. Allele origin: germline. Not counted in ClinVar's aggregate classification.

Ambry Genetics
Classification: Pathogenic for Hereditary cancer-predisposing syndrome. Last evaluated: 2024-11-27. Review status: criteria provided, single submitter. Criteria: Ambry Variant Classification Scheme 2023. Collection method: clinical testing. Allele origin: germline. Not counted in ClinVar's aggregate classification.
Comment: The c.6275_6276delTT pathogenic mutation, located in coding exon 10 of the BRCA2 gene, results from a deletion of 2 nucleotides between positions 6275 and 6276, causing a translational frameshift with a predicted alternate stop codon (p.L2092Pfs*7). This mutation has been detected in multiple individuals with breast and/or ovarian cancer (Khitto G et al. Hum. Hered. 2001;52:55-8; Zhang S et al. Gynecol. Oncol. 2011 May;121:353-7; Walsh T et al. Proc. Natl. Acad. Sci. USA. 2011 Nov;108:18032-7; Bayraktar S et al. Cancer. 2012 Mar;118:1515-22; Higgs JE et al. J. Med. Genet. 2015 Sep;52:642-5; de Juan I et al. Fam. Cancer. 2015 Dec;14:505-13; Maxwell KN et al. Am. J. Hum. Genet. 2016 May;98:801-817; Fostira F et al. Breast Cancer Res. Treat. 2018 May;169:105-113; Wang YA et al. BMC Cancer. 2018 03;18:315). Of note, this alteration is also designated as 6503delTT in some published literature. In addition to the clinical data presented in the literature, this alteration is expected to result in loss of function by premature protein truncation or nonsense-mediated mRNA decay. As such, this alteration is interpreted as a disease-causing mutation.

Institute of Medical Genetics and Applied Genomics, University Hospital Tübingen
Classification: Pathogenic for Familial cancer of breast. Last evaluated: 2024-11-14. Review status: criteria provided, single submitter. Criteria: ACMG Guidelines, 2015. Collection method: clinical testing. Allele origin: germline. Inheritance: Autosomal dominant inheritance. Affected: yes. Not counted in ClinVar's aggregate classification.

Blueprint Genetics
Classification: Pathogenic for BRCA2-related disorders. Last evaluated: 2024-11-13. Review status: criteria provided, single submitter. Criteria: ACMG Guidelines, 2015. Collection method: clinical testing. Allele origin: germline. Affected: yes. Observed: 5 variant alleles. Not counted in ClinVar's aggregate classification.

Institute of Human Genetics, University of Leipzig Medical Center
Classification: Pathogenic for Familial cancer of breast. Last evaluated: 2024-10-01. Review status: criteria provided, single submitter. Criteria: ACMG Guidelines, 2015. Collection method: clinical testing. Allele origin: unknown. Inheritance: Autosomal dominant inheritance. Affected: yes. Not counted in ClinVar's aggregate classification.
Comment: Criteria applied: PVS1,PM5_STR

All of Us Research Program, National Institutes of Health
Classification: Pathogenic for BRCA2-related cancer predisposition. Last evaluated: 2024-09-23. Review status: criteria provided, single submitter. Criteria: ACMG Guidelines, 2015. Collection method: clinical testing. Allele origin: germline. Inheritance: Autosomal dominant inheritance. Observed: 7 variant alleles, 7 heterozygotes. Not counted in ClinVar's aggregate classification.
Comment: This variant deletes 2 nucleotides in exon 11 of the BRCA2 gene, creating a frameshift and premature translation stop signal. This variant is expected to result in an absent or non-functional protein product. This variant has been observed in dozens of individuals affected with breast and/or ovarian cancer and is a common disease-causing mutation in the European population (PMID: 21324516, 23199084, 23479189, 24156927, 26026974, 29566657). This variant also has been detected in a breast cancer case-control meta-analysis in 30/60463 cases and 5/53461 unaffected individuals with odds ratio of 5.307 (95% CI 2.059 to 13.679) (PMID: 33471991; Leiden Open Variation Database DB-ID BRCA2_000156). This variant has been identified in 10/274924 chromosomes in the general population by the Genome Aggregation Database (gnomAD). Loss of BRCA2 function is a known mechanism of disease. Based on the available evidence, this variant is classified as Pathogenic.

This study involves interpretation of variants in research participants for the purpose of population health screening. Participant phenotype was not available at the time of variant classification. Additional details can be found in publication PMID: 35346344, PMCID: PMC8962531

Molecular Genetics and NGS Laboratory, Hospital Fundacion Valle Del Lili
Classification: Pathogenic for Breast-ovarian cancer, familial, susceptibility to, 2. Last evaluated: 2024-08-22. Review status: criteria provided, single submitter. Criteria: ACMG Guidelines, 2015. Collection method: clinical testing. Allele origin: germline. Affected: yes. Observed: 1 variant allele. Not counted in ClinVar's aggregate classification.
Comment: Null variant (frame-shift) in gene BRCA2, predicted to cause NMD. Loss-of-function is a known mechanism of disease (PVS1).Combined evidence strength is Very Strong (score = 12).Very Strong: ClinVar classifies this variant as Pathogenic, 3 stars. Strong: LOVD classifies this variant as Pathogenic (PP5).

Department of Clinical Genetics, Copenhagen University Hospital, Rigshospitalet
Classification: Pathogenic for Breast-ovarian cancer, familial, susceptibility to, 2. Last evaluated: 2024-05-27. Review status: criteria provided, single submitter. Criteria: ACMG Guidelines, 2015. Collection method: clinical testing. Allele origin: germline. Affected: yes. Not counted in ClinVar's aggregate classification.
Comment: PVS1; PM5_PTC_Strong

Fulgent Genetics
Classification: Pathogenic for Familial cancer of breast; Medulloblastoma; Familial prostate cancer; Wilms tumor 1; Fanconi anemia complementation group D1; Breast-ovarian cancer, familial, susceptibility to, 2; Glioma susceptibility 3; Pancreatic cancer, susceptibility to, 2. Last evaluated: 2024-04-25. Review status: criteria provided, single submitter. Criteria: ACMG Guidelines, 2015. Collection method: clinical testing. Allele origin: germline. Not counted in ClinVar's aggregate classification.